The following is an entry in ClinVar:

NM_052854.4(CREB3L1):c.904-5_904-4delinsAT

Gene: CREB3L1 (cAMP responsive element binding protein 3 like 1; plus strand). Cytogenetic location: 11p11.2.
Variant type: Indel.
Coding change: c.904-5_904-4delinsAT on transcript NM_052854.4 (MANE Select); 5 bases into the intron before coding-DNA position 904 through 4 bases into the intron before coding-DNA position 904, TC replaced by AT.
Molecular consequence: intron variant.
Genome position (GRCh38, 1-based): chr11:46,312,607-46,312,608, TC replaced by AT. VCF-style: chr11-46312607-TC-AT. GRCh37 (hg19) VCF-style: chr11-46334158-TC-AT.
Identifiers: ClinVar variation 1518102 (VCV001518102.4), dbSNP rs2136355425, ClinGen allele CA2573146788.
Genomic context (GRCh38, chr11:46,312,607, plus strand): 5'-ATTGGGGGGCCCAGGAAGTGAATATGTGGCAGTGCTAACCCTTGTTTTCGGGCCTCCCCC[TC>AT]TAGATCTCAGCCCAGGAGAGCCGTCGTAAGAAGAAGGAGTATGTGGAGTGTCTAGAAAAG-3'

ClinVar aggregate classification (germline): Uncertain significance (1 of 4 stars; one submission).

Submission:

Labcorp Genetics (formerly Invitae), Labcorp
Classification: Uncertain significance. Last evaluated: 2021-11-11. Review status: criteria provided, single submitter. Criteria: Invitae Variant Classification Sherloc (09022015). Collection method: clinical testing. Allele origin: germline.
Comment: In summary, the available evidence is currently insufficient to determine the role of this variant in disease. Therefore, it has been classified as a Variant of Uncertain Significance. Algorithms developed to predict the effect of sequence changes on RNA splicing suggest that this variant may disrupt the consensus splice site. This variant has not been reported in the literature in individuals affected with CREB3L1-related conditions. Information on the frequency of this variant in the gnomAD database is not available, as this variant may be reported differently in the database. This sequence change falls in intron 6 of the CREB3L1 gene. It does not directly change the encoded amino acid sequence of the CREB3L1 protein.